The following is an entry in ClinVar:

NM_138295.5(PKD1L1):c.209G>A (p.Cys70Tyr)

Gene: PKD1L1 (polycystin 1 like 1, transient receptor potential channel interacting; minus strand). Cytogenetic location: 7p12.3.
Variant type: single nucleotide variant.
Coding change: c.209G>A on transcript NM_138295.5 (MANE Select); coding-DNA position 209, G replaced by A.
Protein change: p.Cys70Tyr; replaces cysteine 70 with tyrosine.
Molecular consequence: missense variant.
Genome position (GRCh38, 1-based): chr7:47,940,269, C>T on the plus strand (G>A on the coding strand, the complement: PKD1L1 is on the minus strand). VCF-style: chr7-47940269-C-T. GRCh37 (hg19) VCF-style: chr7-47979866-C-T.
Other names: short protein forms C70Y.
Identifiers: ClinVar variation 3213543 (VCV003213543.2), dbSNP rs201816986, ClinGen allele CA4254434.

ClinVar aggregate classification (germline): Uncertain significance. Review status: criteria provided, multiple submitters, no conflicts (2 of 4 stars). 2 submissions from 2 submitters: Uncertain significance (2). Last evaluated 2026-07-25.

Conditions:
Inborn genetic diseases. Identifiers: MedGen C0950123, MeSH D030342.
PKD1L1-related disorder. Also called: PKD1L1-related condition.

Allele frequency attached by ClinVar (database versions not stated): gnomAD exomes 0.00001; ExAC 0.00002; gnomAD 0.00004; TOPMed 0.00008; 1000 Genomes Project 30x 0.00031; 1000 Genomes Project 0.00040.
gnomAD v4.1: 31 of 1,613,908 alleles (0.0019%); highest among the groups gnomAD compares: African/African-American, 0.032%; no homozygotes.

Submissions (2):

PreventionGenetics, part of Exact Sciences
Classification: Uncertain significance for PKD1L1-related condition. Last evaluated: 2026-07-25. Review status: criteria provided, single submitter. Criteria: ACMG Guidelines, 2015. Collection method: clinical testing. Allele origin: germline.
Comment: The PKD1L1 c.209G>A variant is predicted to result in the amino acid substitution p.Cys70Tyr. To our knowledge, this variant has not been reported in the literature. This variant is reported in 0.024% of alleles in individuals of African descent in gnomAD. At this time, the clinical significance of this variant is uncertain due to the absence of conclusive functional and genetic evidence.

Ambry Genetics
Classification: Uncertain significance for Inborn genetic diseases. Last evaluated: 2023-10-28. Review status: criteria provided, single submitter. Criteria: Ambry Variant Classification Scheme 2023. Collection method: clinical testing. Allele origin: germline.